The following is an entry in ClinVar:

NM_001873.4(CPE):c.1362A>G (p.Glu454=)

Gene: CPE (carboxypeptidase E; plus strand). Cytogenetic location: 4q32.3.
Variant type: single nucleotide variant.
Coding change: c.1362A>G on transcript NM_001873.4 (MANE Select); coding-DNA position 1362, A replaced by G.
Protein change: p.Glu454=; no amino-acid change (glutamic acid 454 retained).
Molecular consequence: synonymous variant.
Genome position (GRCh38, 1-based): chr4:165,497,541, A>G. VCF-style: chr4-165497541-A-G. GRCh37 (hg19) VCF-style: chr4-166418693-A-G.
Identifiers: ClinVar variation 3350196 (VCV003350196.1).

ClinVar aggregate classification (germline): Likely benign (0 of 4 stars; one submission).

Conditions:
CPE-related disorder. Also called: CPE-related condition.

gnomAD v4.1: 17 of 1,576,346 alleles (0.0011%); highest among the groups gnomAD compares: Non-Finnish European, 0.0014%; no homozygotes.

Submission:

PreventionGenetics, part of Exact Sciences
Classification: Likely benign for CPE-related condition. Last evaluated: 2024-08-14. Review status: no assertion criteria provided. Collection method: clinical testing. Allele origin: germline.
Comment: This variant is classified as likely benign based on ACMG/AMP sequence variant interpretation guidelines (Richards et al. 2015 PMID: 25741868, with internal and published modifications).